The following is an entry in ClinVar:

ClinVar aggregate classification (germline): Uncertain significance (1 of 4 stars; one submission).

Conditions:
Heterotaxy, visceral, 5, autosomal (HTX5). Also called: Heterotaxy, visceral, 5. Identifiers: Orphanet 450, MedGen C3495537, MONDO:0700112, OMIM 270100.

gnomAD v4.1: 1 of 1,553,370 alleles (0.000064%); highest among the groups gnomAD compares: Admixed American, 0.002%; no homozygotes.

Submission:

Labcorp Genetics (formerly Invitae), Labcorp
Classification: Uncertain significance for Heterotaxy, visceral, 5, autosomal. Last evaluated: 2022-08-10. Review status: criteria provided, single submitter. Criteria: Invitae Variant Classification Sherloc (09022015). Collection method: clinical testing. Allele origin: germline.
Comment: This sequence change replaces glutamine, which is neutral and polar, with arginine, which is basic and polar, at codon 18 of the NODAL protein (p.Gln18Arg). In summary, the available evidence is currently insufficient to determine the role of this variant in disease. Therefore, it has been classified as a Variant of Uncertain Significance. Algorithms developed to predict the effect of missense changes on protein structure and function (SIFT, PolyPhen-2, Align-GVGD) all suggest that this variant is likely to be tolerated. ClinVar contains an entry for this variant (Variation ID: 1010676). This variant has not been reported in the literature in individuals affected with NODAL-related conditions. The frequency data for this variant in the population databases is considered unreliable, as metrics indicate poor data quality at this position in the gnomAD database.

NM_018055.5(NODAL):c.53A>G (p.Gln18Arg)

Gene: NODAL (nodal growth differentiation factor; minus strand). Cytogenetic location: 10q22.1.
Variant type: single nucleotide variant.
Coding change: c.53A>G on transcript NM_018055.5 (MANE Select); coding-DNA position 53, A replaced by G.
Protein change: p.Gln18Arg; replaces glutamine 18 with arginine.
Molecular consequence: missense variant. On other transcripts: intron variant (1).
Genome position (GRCh38, 1-based): chr10:70,441,615, T>C on the plus strand (A>G on the coding strand, the complement: NODAL is on the minus strand). VCF-style: chr10-70441615-T-C. GRCh37 (hg19) VCF-style: chr10-72201371-T-C.
Other names: c.-206-5632A>G (NM_001329906.2); short protein forms Q18R.
Identifiers: ClinVar variation 1010676 (VCV001010676.8), dbSNP rs1441391199, ClinGen allele CA376947140.